The following is an entry in ClinVar:

NM_003823.4(TNFRSF6B):c.722_723delinsAA (p.Gly241Glu)

Genes: RTEL1-TNFRSF6B (RTEL1-TNFRSF6B readthrough (NMD candidate); plus strand), TNFRSF6B (TNF receptor superfamily member 6b; plus strand). Cytogenetic location: 20q13.33.
Variant type: Indel.
Coding change: c.722_723delinsAA on transcript NM_003823.4 (MANE Select); coding-DNA positions 722 to 723, GC replaced by AA.
Protein change: p.Gly241Glu; replaces glycine 241 with glutamic acid.
Molecular consequence: missense variant. On other transcripts: non-coding transcript variant (1).
Genome position (GRCh38, 1-based): chr20:63,698,382-63,698,383, GC replaced by AA. VCF-style: chr20-63698382-GC-AA. GRCh37 (hg19) VCF-style: chr20-62329735-GC-AA.
Other names: short protein forms G241E.
Identifiers: ClinVar variation 2965792 (VCV002965792.3), dbSNP rs2517228596, ClinGen allele CA2740094692.

ClinVar aggregate classification (germline): Uncertain significance (1 of 4 stars; one submission).

Submission:

Labcorp Genetics (formerly Invitae), Labcorp
Classification: Uncertain significance. Last evaluated: 2023-10-09. Review status: criteria provided, single submitter. Criteria: Invitae Variant Classification Sherloc (09022015). Collection method: clinical testing. Allele origin: germline.
Comment: This sequence change replaces glycine, which is neutral and non-polar, with glutamic acid, which is acidic and polar, at codon 241 of the TNFRSF6B protein (p.Gly241Glu). Information on the frequency of this variant in the gnomAD database is not available, as this variant may be reported differently in the database. This variant has not been reported in the literature in individuals affected with TNFRSF6B-related conditions. An algorithm developed to predict the effect of missense changes on protein structure and function (PolyPhen-2) suggests that this variant is likely to be tolerated. In summary, the available evidence is currently insufficient to determine the role of this variant in disease. Therefore, it has been classified as a Variant of Uncertain Significance.